The following is an entry in ClinVar:

NM_000022.4(ADA):c.389T>G (p.Val130Gly)

Gene: ADA (adenosine deaminase; minus strand). Cytogenetic location: 20q13.12.
Variant type: single nucleotide variant.
Coding change: c.389T>G on transcript NM_000022.4 (MANE Select); coding-DNA position 389, T replaced by G.
Protein change: p.Val130Gly; replaces valine 130 with glycine.
Molecular consequence: missense variant. On other transcripts: non-coding transcript variant (1), intron variant (1).
Genome position (GRCh38, 1-based): chr20:44,625,658, A>C on the plus strand (T>G on the coding strand, the complement: ADA is on the minus strand). VCF-style: chr20-44625658-A-C. GRCh37 (hg19) VCF-style: chr20-43254299-A-C.
Other names: c.389T>G, p.Val130Gly (NM_001322051.2); c.73+798T>G (NM_001322050.2); short protein forms V130G.
Identifiers: ClinVar variation 4880104 (VCV004880104.1).

ClinVar aggregate classification (germline): Uncertain significance (1 of 4 stars; one submission).

Conditions:
Primary ciliary dyskinesia. Also called: Ciliary dyskinesia. Identifiers: Orphanet 244, MedGen C0008780, MONDO:0016575, HP:0012265.

Submission:

Department of Human Genetics, Hannover Medical School
Classification: Uncertain significance for Primary Ciliary Dyskinesia. Last evaluated: 2026-04-01. Review status: criteria provided, single submitter. Criteria: ACMG Guidelines, 2015. Collection method: research. Allele origin: germline. Affected: no.
Comment: Classification performed by HerediClassify using the following criteria:['PM2_supporting: Variant occures does not occur as homozygous in gnomAD.', 'PP3_protein_strong: Variant is predicted to be pathogenic by REVEL with evidence strength strong.']